The following is an entry in ClinVar:

NM_199420.4(POLQ):c.6224A>G (p.Lys2075Arg)

Gene: POLQ (DNA polymerase theta; minus strand). Cytogenetic location: 3q13.33.
Variant type: single nucleotide variant.
Coding change: c.6224A>G on transcript NM_199420.4 (MANE Select); coding-DNA position 6224, A replaced by G.
Protein change: p.Lys2075Arg; replaces lysine 2075 with arginine.
Molecular consequence: missense variant.
Genome position (GRCh38, 1-based): chr3:121,476,721, T>C on the plus strand (A>G on the coding strand, the complement: POLQ is on the minus strand). VCF-style: chr3-121476721-T-C. GRCh37 (hg19) VCF-style: chr3-121195568-T-C.
Other names: short protein forms K2075R.
Identifiers: ClinVar variation 2563758 (VCV002563758.2), dbSNP rs367915327, ClinGen allele CA354087172.

ClinVar aggregate classification (germline): Uncertain significance (1 of 4 stars; one submission).

Submission:

Ambry Genetics
Classification: Uncertain significance. Last evaluated: 2023-03-15. Review status: criteria provided, single submitter. Criteria: Ambry Variant Classification Scheme 2023. Collection method: clinical testing. Allele origin: germline.
Comment: The p.K2075R variant (also known as c.6224A>G), located in coding exon 20 of the POLQ gene, results from an A to G substitution at nucleotide position 6224. The lysine at codon 2075 is replaced by arginine, an amino acid with highly similar properties. This amino acid position is conserved. In addition, this alteration is predicted to be tolerated by in silico analysis. Since supporting evidence is limited at this time, the clinical significance of this alteration remains unclear.